The following is an entry in ClinVar:

NM_003998.4(NFKB1):c.418_427del (p.Leu140fs)

Gene: NFKB1 (nuclear factor kappa B subunit 1; plus strand). Cytogenetic location: 4q24.
Variant type: Deletion.
Coding change: c.418_427del on transcript NM_003998.4 (MANE Select); coding-DNA positions 418 to 427, 10 bases deleted (CTGGGTATAC; older notation c.418_427delCTGGGTATAC).
Protein change: p.Leu140fs; shifts the reading frame from leucine 140.
Molecular consequence: frameshift variant.
Genome position (GRCh38, 1-based): chr4:102,576,886-102,576,895, CTGGGTATAC deleted; deleting any 10 consecutive bases within chr4:102,576,884-102,576,895 gives the same sequence; the c. name uses the placement nearest the transcript's 3' end. VCF-style (leftmost placement, unchanged base first): chr4-102576883-AACCTGGGTAT-A. GRCh37 (hg19) VCF-style: chr4-103498040-AACCTGGGTAT-A.
Other names: c.415_424del, p.Leu139fs (NM_001165412.2, NM_001319226.2, NM_001382627.1); c.418_427del, p.Leu140fs (NM_001382625.1, NM_001382626.1); c.376_385del, p.Leu126fs (NM_001382628.1); c.418_427delCTGGGTATAC (NM_003998.3); short protein forms L126fs, L139fs, L140fs.
Identifiers: ClinVar variation 1027409 (VCV001027409.9), dbSNP rs1724867456, ClinGen allele CA1481438645.

ClinVar aggregate classification (germline): Pathogenic. Review status: criteria provided, multiple submitters, no conflicts (2 of 4 stars). 2 submissions from 2 submitters: Pathogenic (2). Last evaluated 2023-10-05.

Conditions:
Immunodeficiency, common variable, 12 (CVID12). Also called: IMMUNODEFICIENCY, COMMON VARIABLE, 12, WITH AUTOIMMUNITY; NFKB1 DEFICIENCY. Identifiers: Orphanet 1572, Orphanet 696874, MedGen C4225277, MONDO:0014697, OMIM 616576.

Submissions (2):

Labcorp Genetics (formerly Invitae), Labcorp
Classification: Pathogenic. Last evaluated: 2023-10-05. Review status: criteria provided, single submitter. Criteria: Invitae Variant Classification Sherloc (09022015). Collection method: clinical testing. Allele origin: germline.
Comment: This sequence change creates a premature translational stop signal (p.Leu140Phefs*3) in the NFKB1 gene. It is expected to result in an absent or disrupted protein product. Loss-of-function variants in NFKB1 are known to be pathogenic (PMID: 26279205, 29477724). This variant is not present in population databases (gnomAD no frequency). This variant has not been reported in the literature in individuals affected with NFKB1-related conditions. ClinVar contains an entry for this variant (Variation ID: 1027409). For these reasons, this variant has been classified as Pathogenic.

Immunology Clinic, Ucla
Classification: Pathogenic for Immunodeficiency, common variable, 12. Last evaluated: 2020-02-20. Review status: criteria provided, single submitter. Criteria: ACMG Guidelines, 2015. Collection method: research, case-control. Allele origin: unknown, not applicable. Affected: yes. Functional consequence: mutation affecting reading frame.
Comment: CVID with multi-isotype hypogammaglobulinemia and poor vaccine-associated responses, hepatic disease including nodular regenerative hyperplasia, chronic diarrhea due to norovirus, chronic sinusitis, COPD, anemia, fractures

Literature cited by the submitters: PubMed 26279205 (cited by Labcorp Genetics (formerly Invitae), Labcorp); PubMed 29477724 (cited by Labcorp Genetics (formerly Invitae), Labcorp).